The following is an entry in ClinVar:

ClinVar aggregate classification (germline): Conflicting classifications of pathogenicity. Review status: criteria provided, conflicting classifications (1 of 4 stars). 3 submissions from 3 submitters: Pathogenic (1); Likely pathogenic (1); Uncertain significance (1). Last evaluated 2025-07-16.

Conditions:
Mucopolysaccharidosis, MPS-IV-A (MPS4A). Also called: Mucopolysaccharidosis type IV A; Mucopolysaccharidosis Type IVA; Morquio syndrome A, mild; MORQUIO SYNDROME A; MPS IVA; mucopolysaccharidosis type 4A. Identifiers: Orphanet 309297, Orphanet 582, MedGen C0086651, MONDO:0009659, OMIM 253000.

Submissions (3):

First Genomix Gene Laboratory, Genetic Diagnostics Department
Classification: Likely pathogenic for Mucopolysaccharidosis, MPS-IV-A. Last evaluated: 2025-07-16. Review status: criteria provided, single submitter. Criteria: ACMG Guidelines, 2015. Collection method: clinical testing. Allele origin: germline. Inheritance: Autosomal recessive inheritance. Affected: no. Observed: 1 variant allele.

Women's Health and Genetics/Laboratory Corporation of America, LabCorp
Classification: Uncertain significance. Last evaluated: 2025-04-20. Review status: criteria provided, single submitter. Criteria: LabCorp Variant Classification Summary - May 2015. Collection method: clinical testing. Allele origin: germline.
Comment: Variant summary: GALNS c.228C>A (p.Asn76Lys) results in a non-conservative amino acid change located in the Sulfatase, N-terminal domain (IPR000917) of the encoded protein sequence. Four of five in-silico tools predict a damaging effect of the variant on protein function. The variant was absent in 247966 control chromosomes. A different nucleotide change resulting in the same amino acid change, c.228C>G has been observed as a biallelic genotype in individual(s) affected with Mucopolysaccharidosis Type IVA (Morquio Syndrome A) (Bochernistan_2018 PMID unavailable cited in HGMD). c.228C>A has been observed as a compound heterozygous genotype in an individual(s) affected with Mucopolysaccharidosis Type IVA (Morquio Syndrome A) at our laboratory (internal data).These data indicate that the variant may be associated with disease. To our knowledge, no experimental evidence demonstrating an impact on protein function has been reported. ClinVar contains an entry for this variant (Variation ID: 1073689). Based on the evidence outlined above, the variant was classified as VUS-possibly pathogenic.

Labcorp Genetics (formerly Invitae), Labcorp
Classification: Pathogenic for Mucopolysaccharidosis, MPS-IV-A. Last evaluated: 2020-06-15. Review status: criteria provided, single submitter. Criteria: Invitae Variant Classification Sherloc (09022015). Collection method: clinical testing. Allele origin: germline.
Comment: This sequence change replaces asparagine with lysine at codon 76 of the GALNS protein (p.Asn76Lys). The asparagine residue is moderately conserved and there is a moderate physicochemical difference between asparagine and lysine. This variant is not present in population databases (ExAC no frequency). This missense change has been observed in combination with another GALNS variant in individuals affected with MPS IVA (Invitae). In at least one individual the data is consistent with the variant being in trans (on the opposite chromosome) from a pathogenic variant. Algorithms developed to predict the effect of missense changes on protein structure and function are either unavailable or do not agree on the potential impact of this missense change (SIFT: "Deleterious"; PolyPhen-2: "Possibly Damaging"; Align-GVGD: "Class C0"). For these reasons, this variant has been classified as Pathogenic.

NM_000512.5(GALNS):c.228C>A (p.Asn76Lys)

Gene: GALNS (galactosamine (N-acetyl)-6-sulfatase; minus strand). Cytogenetic location: 16q24.3.
Variant type: single nucleotide variant.
Coding change: c.228C>A on transcript NM_000512.5 (MANE Select); coding-DNA position 228, C replaced by A.
Protein change: p.Asn76Lys; replaces asparagine 76 with lysine.
Molecular consequence: missense variant. On other transcripts: intron variant (1).
Genome position (GRCh38, 1-based): chr16:88,842,722, G>T on the plus strand (C>A on the coding strand, the complement: GALNS is on the minus strand). VCF-style: chr16-88842722-G-T. GRCh37 (hg19) VCF-style: chr16-88909130-G-T.
Other names: c.246C>A, p.Asn82Lys (NM_001323544.2); c.-311-751C>A (NM_001323543.2); short protein forms N76K, N82K.
Identifiers: ClinVar variation 1073689 (VCV001073689.13), dbSNP rs147599478, ClinGen allele CA397091249.